The following is an entry in ClinVar:

ClinVar aggregate classification (germline): Uncertain significance (1 of 4 stars; one submission).

Conditions:
Predisposition to invasive fungal disease due to CARD9 deficiency (IMD103). Also called: CARD9 IMMUNODEFICIENCY; Candidiasis, familial, 2, autosomal recessive; IMMUNODEFICIENCY 103, SUSCEPTIBILITY TO FUNGAL INFECTIONS. Identifiers: Orphanet 457088, MedGen C1859353, MONDO:0008905, OMIM 212050.

Submission:

Labcorp Genetics (formerly Invitae), Labcorp
Classification: Uncertain significance for Predisposition to invasive fungal disease due to CARD9 deficiency. Last evaluated: 2024-10-29. Review status: criteria provided, single submitter. Criteria: Invitae Variant Classification Sherloc (09022015). Collection method: clinical testing. Allele origin: germline.
Comment: This sequence change replaces glycine, which is neutral and non-polar, with cysteine, which is neutral and slightly polar, at codon 72 of the CARD9 protein (p.Gly72Cys). This variant is not present in population databases (gnomAD no frequency). This variant has not been reported in the literature in individuals affected with CARD9-related conditions. ClinVar contains an entry for this variant (Variation ID: 577364). Invitae Evidence Modeling of protein sequence and biophysical properties (such as structural, functional, and spatial information, amino acid conservation, physicochemical variation, residue mobility, and thermodynamic stability) indicates that this missense variant is expected to disrupt CARD9 protein function with a positive predictive value of 80%. In summary, the available evidence is currently insufficient to determine the role of this variant in disease. Therefore, it has been classified as a Variant of Uncertain Significance.

NM_052813.5(CARD9):c.214G>T (p.Gly72Cys)

Gene: CARD9 (caspase recruitment domain family member 9; minus strand). Cytogenetic location: 9q34.3.
Variant type: single nucleotide variant.
Coding change: c.214G>T on transcript NM_052813.5 (MANE Select); coding-DNA position 214, G replaced by T.
Protein change: p.Gly72Cys; replaces glycine 72 with cysteine.
Molecular consequence: missense variant.
Genome position (GRCh38, 1-based): chr9:136,371,432, C>A on the plus strand (G>T on the coding strand, the complement: CARD9 is on the minus strand). VCF-style: chr9-136371432-C-A. GRCh37 (hg19) VCF-style: chr9-139265884-C-A.
Other names: c.214G>T, p.Gly72Cys (NM_052814.4); short protein forms G72C.
Identifiers: ClinVar variation 577364 (VCV000577364.9), dbSNP rs398122362, ClinGen allele CA375546167.
Genomic context (GRCh38, chr9:136,371,432, plus strand): 5'-TGTACAGCTGCGGGTAGTAGAGCTCCAGGCTCTCGAGGAAGGCCACGTAGCCCTTGTGGC[C>A]GGTCCGCTGCAGGATGTCCAGGAGCACACCTGCGGGCCAGAGAGGCCTAACTGGGGGCGG-3'
Protein context (NP_434700.2, residues 62-82): GVLLDILQRT[Gly72Cys]HKGYVAFLES